The following is an entry in ClinVar:

NM_001372106.1(DNAH10):c.9199+9G>A

Gene: DNAH10 (dynein axonemal heavy chain 10; plus strand). Cytogenetic location: 12q24.31.
Variant type: single nucleotide variant.
Coding change: c.9199+9G>A on transcript NM_001372106.1 (MANE Select); 9 bases into the intron after coding-DNA position 9199, G replaced by A.
Molecular consequence: intron variant.
Genome position (GRCh38, 1-based): chr12:123,893,445, G>A. VCF-style: chr12-123893445-G-A. GRCh37 (hg19) VCF-style: chr12-124377992-G-A.
Other names: c.8845+9G>A (NM_207437.3).
Identifiers: ClinVar variation 402619 (VCV000402619.5), dbSNP rs114772660, ClinGen allele CA6864971.

ClinVar aggregate classification (germline): Benign. Review status: criteria provided, multiple submitters, no conflicts (2 of 4 stars). 2 submissions from 2 submitters: Benign (2). Last evaluated 2016-03-29.

Allele frequency attached by ClinVar (database versions not stated): gnomAD exomes 0.05332 and 0.05832; ExAC 0.05762; 1000 Genomes Project 0.06230; 1000 Genomes Project 30x 0.06433; gnomAD 0.07241 and 0.07540; TOPMed 0.07381; ESP Exome Variant Server 0.07416.
gnomAD v4.1: 96,118 of 1,611,892 alleles (6%); highest among the groups gnomAD compares: African/African-American, 12%; 3,238 homozygotes.

Submissions (2):

Laboratory for Molecular Medicine, Mass General Brigham Personalized Medicine
Classification: Benign. Last evaluated: 2016-03-29. Review status: criteria provided, single submitter. Criteria: LMM Criteria. Collection method: clinical testing. Allele origin: germline.
Comment: Variant identified in a genome or exome case(s) and assessed due to predicted null impact of the variant or pathogenic assertions in the literature or databases. Disclaimer: This variant has not undergone full assessment. The following are preliminary notes: Frequency

Breakthrough Genomics
Classification: Benign. Review status: criteria provided, single submitter. Criteria: ACMG Guidelines, 2015. Collection method: not provided. Allele origin: germline. Inheritance: Autosomal recessive inheritance. Affected: yes.